The following is an entry in ClinVar:

NM_020458.4(TTC7A):c.2107C>T (p.Pro703Ser)

Gene: TTC7A (tetratricopeptide repeat domain 7A; plus strand). Cytogenetic location: 2p21.
Variant type: single nucleotide variant.
Coding change: c.2107C>T on transcript NM_020458.4 (MANE Select); coding-DNA position 2107, C replaced by T.
Protein change: p.Pro703Ser; replaces proline 703 with serine.
Molecular consequence: missense variant.
Genome position (GRCh38, 1-based): chr2:47,051,835, C>T. VCF-style: chr2-47051835-C-T. GRCh37 (hg19) VCF-style: chr2-47278974-C-T.
Other names: c.2107C>T, p.Pro703Ser (LRG_1323t1); c.2179C>T, p.Pro727Ser (NM_001288951.2); c.2005C>T, p.Pro669Ser (NM_001288953.2); c.1045C>T, p.Pro349Ser (NM_001288955.2); short protein forms P703S, P669S, P349S, P727S.
Identifiers: ClinVar variation 528458 (VCV000528458.10), dbSNP rs749594871, ClinGen allele CA1648015.

ClinVar aggregate classification (germline): Uncertain significance (1 of 4 stars; one submission).

Conditions:
Multiple gastrointestinal atresias. Also called: FAMILIAL INTESTINAL POLYATRESIA SYNDROME; Multiple intestinal atresia. Identifiers: Orphanet 2300, MedGen C0220744, MONDO:0009465.

Allele frequency attached by ClinVar (database versions not stated): gnomAD exomes 0.00002 and 0.00003; gnomAD 0.00003; TOPMed 0.00002; ExAC 0.00003.
gnomAD v4.1: 41 of 1,612,074 alleles (0.0025%); highest among the groups gnomAD compares: Non-Finnish European, 0.0034%; no homozygotes.

Submission:

Labcorp Genetics (formerly Invitae), Labcorp
Classification: Uncertain significance for Multiple gastrointestinal atresias. Last evaluated: 2022-05-16. Review status: criteria provided, single submitter. Criteria: Invitae Variant Classification Sherloc (09022015). Collection method: clinical testing. Allele origin: germline.
Comment: This sequence change replaces proline, which is neutral and non-polar, with serine, which is neutral and polar, at codon 703 of the TTC7A protein (p.Pro703Ser). In summary, the available evidence is currently insufficient to determine the role of this variant in disease. Therefore, it has been classified as a Variant of Uncertain Significance. Algorithms developed to predict the effect of missense changes on protein structure and function are either unavailable or do not agree on the potential impact of this missense change (SIFT: "Tolerated"; PolyPhen-2: "Probably Damaging"; Align-GVGD: "Class C0"). ClinVar contains an entry for this variant (Variation ID: 528458). This variant has not been reported in the literature in individuals affected with TTC7A-related conditions. This variant is present in population databases (rs749594871, gnomAD 0.006%).